The following is an entry in ClinVar:

NM_000057.4(BLM):c.1784C>G (p.Ser595Ter)

Gene: BLM (BLM RecQ like helicase; plus strand). Cytogenetic location: 15q26.1.
Variant type: single nucleotide variant.
Coding change: c.1784C>G on transcript NM_000057.4 (MANE Select); coding-DNA position 1784, C replaced by G.
Protein change: p.Ser595Ter; replaces serine 595 with a stop codon.
Molecular consequence: nonsense.
Genome position (GRCh38, 1-based): chr15:90,761,157, C>G. VCF-style: chr15-90761157-C-G. GRCh37 (hg19) VCF-style: chr15-91304387-C-G.
Other names: c.1784C>G, p.Ser595Ter (NM_001287246.2, NM_001287247.2); c.659C>G, p.Ser220Ter (NM_001287248.2); short protein forms S220*, S595*.
Identifiers: ClinVar variation 820081 (VCV000820081.11), dbSNP rs138943954, ClinGen allele CA393843836.

ClinVar aggregate classification (germline): Pathogenic. Review status: criteria provided, multiple submitters, no conflicts (2 of 4 stars). 4 submissions from 4 submitters: Pathogenic (3). 1 of the submissions does not count toward it. Last evaluated 2023-11-26.

Conditions:
Hereditary cancer-predisposing syndrome. Also called: Neoplastic Syndromes, Hereditary; Tumor predisposition; Hereditary Cancer Syndrome; Hereditary neoplastic syndrome. Identifiers: Orphanet 140162, MedGen C0027672, MeSH D009386, MONDO:0015356.
Bloom syndrome (BLM). Also called: Bloom-Torre-Machacek syndrome. Identifiers: Orphanet 125, MedGen C0005859, MONDO:0008876, OMIM 210900.

Submissions (4):

Baylor Genetics
Classification: Pathogenic for Bloom syndrome. Last evaluated: 2023-11-26. Review status: criteria provided, single submitter. Criteria: ACMG Guidelines, 2015. Collection method: clinical testing. Allele origin: unknown.

Labcorp Genetics (formerly Invitae), Labcorp
Classification: Pathogenic for Bloom syndrome. Last evaluated: 2022-02-01. Review status: criteria provided, single submitter. Criteria: Invitae Variant Classification Sherloc (09022015). Collection method: clinical testing. Allele origin: germline.
Comment: This sequence change creates a premature translational stop signal (p.Ser595*) in the BLM gene. It is expected to result in an absent or disrupted protein product. Loss-of-function variants in BLM are known to be pathogenic (PMID: 17407155). This variant is not present in population databases (gnomAD no frequency). For these reasons, this variant has been classified as Pathogenic. ClinVar contains an entry for this variant (Variation ID: 820081). This premature translational stop signal has been observed in individual(s) with Bloom syndrome (PMID: 17407155).

Ambry Genetics
Classification: Pathogenic for Hereditary cancer-predisposing syndrome. Last evaluated: 2019-03-28. Review status: criteria provided, single submitter. Criteria: Ambry Variant Classification Scheme 2023. Collection method: clinical testing. Allele origin: germline.
Comment: The p.S595* pathogenic mutation (also known as c.1784C>G), located in coding exon 6 of the BLM gene, results from a C to G substitution at nucleotide position 1784. This changes the amino acid from a serine to a stop codon within coding exon 6. While this exact mutation has not been reported in the literature, another mutation with the same protein effect, p.S595* (c.1784C>A), has been reported in the homozygous state in an individual with Bloom syndrome (German J et al. Hum. Mutat. 2007 Aug;28(8):743-53). This alteration is expected to result in loss of function by premature protein truncation or nonsense-mediated mRNA decay. As such, this alteration is interpreted as a disease-causing mutation.

Natera, Inc.
Classification: Pathogenic for Bloom syndrome. Last evaluated: 2017-05-04. Review status: no assertion criteria provided. Collection method: clinical testing. Allele origin: germline. Not counted in ClinVar's aggregate classification.

Literature cited by the submitters: PubMed 17407155 (cited by Labcorp Genetics (formerly Invitae), Labcorp).